The following is an entry in ClinVar:

ClinVar aggregate classification (germline): Benign/Likely benign. Review status: criteria provided, multiple submitters, no conflicts (2 of 4 stars). 15 submissions from 15 submitters: Benign (6); Likely benign (6). 3 of the submissions do not count toward it. Last evaluated 2026-01-28.

Conditions:
Breast and/or ovarian cancer. Identifiers: MedGen CN221562.
Hereditary cancer-predisposing syndrome. Also called: Tumor predisposition; Hereditary neoplastic syndrome; Neoplastic Syndromes, Hereditary; Hereditary Cancer Syndrome. Identifiers: Orphanet 140162, MedGen C0027672, MeSH D009386, MONDO:0015356.
Familial cancer of breast. Also called: Hereditary breast cancer; BREAST CANCER, FAMILIAL; hereditary breast carcinoma. Identifiers: Orphanet 227535, MedGen C0346153, MONDO:0016419, OMIM 114480. Disease mechanism: loss of function.
Breast-ovarian cancer, familial, susceptibility to, 2 (BROVCA2). Also called: BRCA2 Hereditary Breast and Ovarian Cancer. Identifiers: Orphanet 145, MedGen C2675520, MONDO:0012933, OMIM 612555. Disease mechanism: loss of function.
Hereditary breast ovarian cancer syndrome. Also called: Hereditary breast and/or ovarian cancer syndrome; Hereditary breast and ovarian cancer syndrome; Hereditary breast and ovarian cancer syndrome (HBOC); Hereditary breast and ovarian cancer; Breast and ovarian cancer; BRCA1- and BRCA2-Associated Hereditary Breast and Ovarian Cancer. Identifiers: Orphanet 145, MedGen C0677776, MeSH D061325, MONDO:0003582. Disease mechanism: loss of function.

Allele frequency attached by ClinVar (database versions not stated): gnomAD 0.00003; TOPMed 0.00009; gnomAD exomes 0.00018; 1000 Genomes Project 0.00020; ExAC 0.00023; 1000 Genomes Project 30x 0.00031.
gnomAD v4.1: 104 of 1,604,840 alleles (0.0065%); highest among the groups gnomAD compares: Admixed American, 0.095%; 2 homozygotes.

Submissions (15):

Labcorp Genetics (formerly Invitae), Labcorp
Classification: Benign for Hereditary breast ovarian cancer syndrome. Last evaluated: 2026-01-28. Review status: criteria provided, single submitter. Criteria: Invitae Variant Classification Sherloc (09022015). Collection method: clinical testing. Allele origin: germline.

ARUP Laboratories, Molecular Genetics and Genomics, ARUP Laboratories
Classification: Benign. Last evaluated: 2025-05-19. Review status: criteria provided, single submitter. Criteria: ARUP Molecular Germline Variant Investigation Process 2024. Collection method: clinical testing. Allele origin: germline.

Center for Genomic Medicine, Rigshospitalet, Copenhagen University Hospital
Classification: Likely benign. Last evaluated: 2025-03-04. Review status: criteria provided, single submitter. Criteria: ACMG Guidelines, 2015. Collection method: clinical testing. Allele origin: germline.

Blueprint Genetics
Classification: Likely benign. Last evaluated: 2024-11-13. Review status: criteria provided, single submitter. Criteria: ACMG Guidelines, 2015. Collection method: clinical testing. Allele origin: germline.

CHEO Genetics Diagnostic Laboratory, Children's Hospital of Eastern Ontario
Classification: Likely benign for Breast and/or ovarian cancer. Last evaluated: 2022-11-11. Review status: criteria provided, single submitter. Criteria: ACMG Guidelines, 2015. Collection method: clinical testing. Allele origin: germline.

Department of Pathology and Laboratory Medicine, Sinai Health System
Classification: Benign for Familial cancer of breast; Breast-ovarian cancer, familial, susceptibility to, 2. Last evaluated: 2021-10-25. Review status: criteria provided, single submitter. Criteria: ACMG Guidelines, 2015. Collection method: clinical testing. Allele origin: germline. Affected: yes.

Genetic Services Laboratory, University of Chicago
Classification: Likely benign. Last evaluated: 2017-12-19. Review status: criteria provided, single submitter. Criteria: ACMG Guidelines, 2015. Collection method: clinical testing. Allele origin: germline. Affected: no.

PreventionGenetics, part of Exact Sciences
Classification: Likely benign. Last evaluated: 2017-10-24. Review status: criteria provided, single submitter. Criteria: ACMG Guidelines, 2015. Collection method: clinical testing. Allele origin: germline.

Baylor Genetics
Classification: Benign for Familial cancer of breast. Last evaluated: 2017-02-23. Review status: criteria provided, single submitter. Criteria: ACMG Guidelines, 2015. Collection method: clinical testing. Allele origin: germline. Inheritance: Autosomal dominant inheritance. Affected: no.

Women's Health and Genetics/Laboratory Corporation of America, LabCorp
Classification: Benign for Hereditary breast ovarian cancer syndrome. Last evaluated: 2015-11-16. Review status: criteria provided, single submitter. Criteria: LabCorp Variant Classification Summary - May 2015. Collection method: clinical testing. Allele origin: germline.
Comment: Variant Summary: This c.316+12A>G variant in BRCA2 gene affects a non-conserved nucleotide resulting in intronic change at a position not widely known to affect normal splicing. 4/5 in silico tools via Alamut predict that this variant does not affect normal splicing. The variant of interest has been observed in control population from ExAC at an allele frequency of 24/105900 (0.02%), predominantly in Latino cohort at a frequency of 22/9822 (0.22%). This frequency in Latino cohort significantly exceeds the maximum expected allele frequency for a BRCA2 pathogenic variant (0.075%), suggesting the variant to be an ethnic-specific polymorphism. The variant of interest reportedly has been identified in an affected individual with limited information (no co-occurrence or co-segregation information provided). Furthermore, a reputable diagnostic laboratory classifies the variant as "benign." Therefore, taken all together, this variant has been classified as benign.

Color Diagnostics, LLC DBA Color Health
Classification: Likely benign for Hereditary cancer-predisposing syndrome. Last evaluated: 2015-04-27. Review status: criteria provided, single submitter. Criteria: ACMG Guidelines, 2015. Collection method: clinical testing. Allele origin: germline.

GeneDx
Classification: Benign. Last evaluated: 2014-05-15. Review status: criteria provided, single submitter. Criteria: GeneDx Variant Classification (06012015). Collection method: clinical testing. Allele origin: germline. Affected: yes.
Comment: This variant is considered likely benign or benign based on one or more of the following criteria: it is a conservative change, it occurs at a poorly conserved position in the protein, it is predicted to be benign by multiple in silico algorithms, and/or has population frequency not consistent with disease.

Counsyl
Classification: Likely benign for Breast-ovarian cancer, familial, susceptibility to, 2. Last evaluated: 2017-01-18. Review status: no assertion criteria provided. Collection method: clinical testing. Allele origin: unknown. Not counted in ClinVar's aggregate classification.

Clinical Genetics DNA and cytogenetics Diagnostics Lab, Erasmus MC, Erasmus Medical Center
Classification: Benign. Review status: no assertion criteria provided. Collection method: clinical testing. Allele origin: germline. Affected: yes. Study: VKGL Data-share Consensus. Not counted in ClinVar's aggregate classification.

Joint Genome Diagnostic Labs from Nijmegen and Maastricht, Radboudumc and MUMC+
Classification: Likely benign. Review status: no assertion criteria provided. Collection method: clinical testing. Allele origin: germline. Affected: yes. Study: VKGL Data-share Consensus. Not counted in ClinVar's aggregate classification.

Literature cited by the submitters: PubMed 21120943 (cited by Women's Health and Genetics/Laboratory Corporation of America, LabCorp and Counsyl).

NM_000059.4(BRCA2):c.316+12A>G

Gene: BRCA2 (BRCA2 DNA repair associated; plus strand). Cytogenetic location: 13q13.1.
Variant type: single nucleotide variant.
Coding change: c.316+12A>G on transcript NM_000059.4 (MANE Select); 12 bases into the intron after coding-DNA position 316, A replaced by G.
Molecular consequence: intron variant.
Genome position (GRCh38, 1-based): chr13:32,319,337, A>G. VCF-style: chr13-32319337-A-G. GRCh37 (hg19) VCF-style: chr13-32893474-A-G.
Identifiers: ClinVar variation 136568 (VCV000136568.38), dbSNP rs186419778, ClinGen allele CA017352.